The following is an entry in ClinVar:

NM_000059.4(BRCA2):c.1564G>C (p.Gly522Arg)

Gene: BRCA2 (BRCA2 DNA repair associated; plus strand). Cytogenetic location: 13q13.1.
Variant type: single nucleotide variant.
Coding change: c.1564G>C on transcript NM_000059.4 (MANE Select); coding-DNA position 1564, G replaced by C.
Protein change: p.Gly522Arg; replaces glycine 522 with arginine.
Molecular consequence: missense variant.
Genome position (GRCh38, 1-based): chr13:32,333,042, G>C. VCF-style: chr13-32333042-G-C. GRCh37 (hg19) VCF-style: chr13-32907179-G-C.
Other names: p.G522R:GGT>CGT; 1792G>C; short protein forms G522R.
Identifiers: ClinVar variation 37746 (VCV000037746.42), dbSNP rs80358442, ClinGen allele CA012430.

ClinVar aggregate classification (germline): Conflicting classifications of pathogenicity. Review status: criteria provided, conflicting classifications (1 of 4 stars). 18 submissions from 18 submitters: Uncertain significance (2); Benign (1); Likely benign (9). 6 of the submissions do not count toward it. Last evaluated 2026-04-01.

Conditions:
BRCA2-related cancer predisposition. Identifiers: MedGen CN377758, MONDO:0700269.
BRCA2-related disorder. Also called: BRCA2-related condition; BRCA2-related disorders. Identifiers: MedGen CN239275.
Hereditary cancer-predisposing syndrome. Also called: Hereditary neoplastic syndrome; Tumor predisposition; Hereditary Cancer Syndrome; Neoplastic Syndromes, Hereditary. Identifiers: Orphanet 140162, MedGen C0027672, MeSH D009386, MONDO:0015356.
Hereditary breast ovarian cancer syndrome. Also called: Breast and ovarian cancer; Hereditary breast and/or ovarian cancer syndrome; BRCA1- and BRCA2-Associated Hereditary Breast and Ovarian Cancer; Hereditary breast and ovarian cancer syndrome; Hereditary breast and ovarian cancer; Hereditary breast and ovarian cancer syndrome (HBOC). Identifiers: Orphanet 145, MedGen C0677776, MeSH D061325, MONDO:0003582. Disease mechanism: loss of function.
Breast-ovarian cancer, familial, susceptibility to, 2 (BROVCA2). Also called: BRCA2 Hereditary Breast and Ovarian Cancer. Identifiers: Orphanet 145, MedGen C2675520, MONDO:0012933, OMIM 612555. Disease mechanism: loss of function.
Endometrial carcinoma. Also called: Endometrial carcinoma, somatic. Identifiers: MedGen C0476089, MONDO:0002447, OMIM 608089, HP:0012114.

Allele frequency attached by ClinVar (database versions not stated): ExAC 0.00001; gnomAD 0.00002 and 0.00003; gnomAD exomes 0.00002; TOPMed 0.00003; ESP Exome Variant Server 0.00008.
gnomAD v4.1: 32 of 1,601,126 alleles (0.002%); highest among the groups gnomAD compares: Admixed American, 0.0089%; no homozygotes.

Submissions (18):

PreventionGenetics, part of Exact Sciences
Classification: Likely benign for BRCA2-related condition. Last evaluated: 2026-04-01. Review status: criteria provided, single submitter. Criteria: ACMG Guidelines, 2015. Collection method: clinical testing. Allele origin: germline.
Comment: This variant is classified as likely benign based on ACMG/AMP sequence variant interpretation guidelines (Richards et al. 2015 PMID: 25741868, with internal and published modifications).

Labcorp Genetics (formerly Invitae), Labcorp
Classification: Likely benign for Hereditary breast ovarian cancer syndrome. Last evaluated: 2026-02-03. Review status: criteria provided, single submitter. Criteria: Invitae Variant Classification Sherloc (09022015). Collection method: clinical testing. Allele origin: germline.

Women's Health and Genetics/Laboratory Corporation of America, LabCorp
Classification: Likely benign. Last evaluated: 2025-10-29. Review status: criteria provided, single submitter. Criteria: LabCorp Variant Classification Summary - May 2015. Collection method: clinical testing. Allele origin: germline.
Comment: Variant summary: BRCA2 c.1564G>C (p.Gly522Arg) results in a non-conservative amino acid change in the encoded protein sequence. Algorithms developed to predict the effect of missense changes on protein structure and function are either unavailable or do not agree on the potential impact of this missense change. The variant allele was found at a frequency of 1.7e-05 in 239116 control chromosomes (gnomAD). c.1564G>C has been observed in a proband from a high-risk breast and/or ovarian cancer family that did not carry other BRCA1 or BRCA2 mutations (Lu_2012), among variants of unknown significance in a Portuguese breast/ovarian cancer family (Peixoto_2014), and among secondary variants identified in a study of Individuals undergoing Exome Sequencing (Johnston_2012). These reports do not provide unequivocal conclusions about association of the variant with Hereditary Breast And Ovarian Cancer Syndrome. At-least two co-occurrences with other pathogenic variants have been reported [BRCA1 c.5136G>A, p.Trp1712Ter (BIC database); BRCA1 c.4258C>T, p.Gln1420Ter (UMD database)], providing supporting evidence for a benign role. One publication reports experimental evidence evaluating an impact on protein function, however, does not allow convincing conclusions about the variant effect. The following publications have been ascertained in the context of this evaluation (PMID: 22703879, 22476429, 24916970, 25348012, 27974047). ClinVar contains an entry for this variant (Variation ID: 37746). Based on the evidence outlined above, the variant was classified as likely benign.

Color Diagnostics, LLC DBA Color Health
Classification: Likely benign for Hereditary cancer-predisposing syndrome. Last evaluated: 2025-03-25. Review status: criteria provided, single submitter. Criteria: ACMG Guidelines, 2015. Collection method: clinical testing. Allele origin: germline.

Molecular Diagnostics Laboratory, Catalan Institute of Oncology
Classification: Likely benign for Hereditary cancer-predisposing syndrome. Last evaluated: 2025-02-14. Review status: criteria provided, single submitter. Criteria: ClinGen BRCA1BRCA2 ACMG Specifications BRCA2 V1.0.0. Collection method: clinical testing. Allele origin: germline.
Comment: BP1_strong c.1564G>C, located in exon 10 of the BRCA2 gene, is predicted to result in the substitution of Glycine by Arginine at codon 522, p.(Gly522Arg). This position is outside a (potentially) clinically important functional domain and, moreover, the SpliceAI algorithm predicts no significant impact on splicing (BP1_strong). This variant is found in 4/224618 alleles at a frequency of 0.0017% in the gnomAD v2.1.1 database, non-cancer dataset. Published clinical data for a multifactorial likelihood analysis (PMID: 31131967) showed a combined LR indicative of moderate evidence towards benign (LR 0.88), based on tumor characteristics (LR 0.69), co-occurrence (LR 1.24) and family history (LR 1.04). It has been reported in ClinVar (1x B, 6x LB, 9x VUS). Based on the currently available information, c.1564G>C is classified as a likely benign variant according to ClinGen-BRCA2 Guidelines version 1.0.0.

All of Us Research Program, National Institutes of Health
Classification: Uncertain significance for BRCA2-related cancer predisposition. Last evaluated: 2024-06-09. Review status: criteria provided, single submitter. Criteria: ACMG Guidelines, 2015. Collection method: clinical testing. Allele origin: germline. Inheritance: Autosomal dominant inheritance. Observed: 11 variant alleles, 11 heterozygotes.
Comment: This missense variant replaces glycine with arginine at codon 522 of the BRCA2 protein. Computational prediction suggests that this variant may not impact protein structure and function (internally defined REVEL score threshold <= 0.5, PMID: 27666373). To our knowledge, functional studies have not been reported for this variant. This variant has been detected in one individual affected with breast cancer (PMID: 33471991; Leiden Open Variation Database DB-ID BRCA2_002081) and in two suspected hereditary breast and ovarian cancer families (PMID: 22476429, 24916970). This variant has been identified in 4/239116 chromosomes in the general population by the Genome Aggregation Database (gnomAD). The available evidence is insufficient to determine the role of this variant in disease conclusively. Therefore, this variant is classified as a Variant of Uncertain Significance.

This study involves interpretation of variants in research participants for the purpose of population health screening. Participant phenotype was not available at the time of variant classification. Additional details can be found in publication PMID: 35346344, PMCID: PMC8962531

Blueprint Genetics
Classification: Uncertain significance. Last evaluated: 2024-05-22. Review status: criteria provided, single submitter. Criteria: ACMG Guidelines, 2015. Collection method: clinical testing. Allele origin: germline.

Quest Diagnostics Nichols Institute San Juan Capistrano
Classification: Likely benign. Last evaluated: 2023-09-19. Review status: criteria provided, single submitter. Criteria: Quest Diagnostics criteria. Collection method: clinical testing. Allele origin: unknown.

Mendelics
Classification: Benign for Hereditary breast ovarian cancer syndrome. Last evaluated: 2023-08-22. Review status: criteria provided, single submitter. Criteria: Mendelics Assertion Criteria 2019. Collection method: clinical testing. Allele origin: germline.

University of Washington Department of Laboratory Medicine, University of Washington
Classification: Likely benign for Hereditary cancer-predisposing syndrome. Last evaluated: 2023-03-23. Review status: criteria provided, single submitter. Criteria: Dines et al. (Genet Med. 2020). Collection method: curation. Allele origin: germline.
Comment: Missense variant in a coldspot region where missense variants are very unlikely to be pathogenic (PMID:31911673).

BRCA2 exon 10 coldspot. Reclassification based on statistical prior probability.

GeneDx
Classification: Likely benign. Last evaluated: 2019-05-02. Review status: criteria provided, single submitter. Criteria: GeneDx Variant Classification Process June 2021. Collection method: clinical testing. Allele origin: germline. Affected: yes.
Comment: Not observed at a significant frequency in large population cohorts (Lek et al., 2016); This variant is associated with the following publications: (PMID: 22703879, 24916970, 27974047, 25348012, 22476429, 30212499, 28726806)

Ambry Genetics
Classification: Likely benign for Hereditary cancer-predisposing syndrome. Last evaluated: 2019-02-09. Review status: criteria provided, single submitter. Criteria: Ambry Variant Classification Scheme 2023. Collection method: clinical testing. Allele origin: germline.

Institute for Biomarker Research, Medical Diagnostic Laboratories, L.L.C.
Classification: Uncertain significance for Hereditary breast ovarian cancer syndrome. Last evaluated: 2022-01-24. Review status: no assertion criteria provided. Collection method: clinical testing. Allele origin: germline. Not counted in ClinVar's aggregate classification.

Counsyl
Classification: Uncertain significance for Breast-ovarian cancer, familial, susceptibility to, 2. Last evaluated: 2017-05-16. Review status: no assertion criteria provided. Collection method: clinical testing. Allele origin: unknown. Not counted in ClinVar's aggregate classification.

Biesecker Lab/Clinical Genomics Section, National Institutes of Health
Classification: Uncertain significance. Last evaluated: 2012-07-13. Review status: no assertion criteria provided. Collection method: research. Allele origin: germline. Affected: no. Observed: 1 variant allele. Study: ClinSeq. Not counted in ClinVar's aggregate classification.
ClinVar note: Converted during submission from variant of unknown significance to Uncertain significance.

Sharing Clinical Reports Project (SCRP)
Classification: Uncertain significance for Breast-ovarian cancer, familial 2. Last evaluated: 2010-10-01. Review status: no assertion criteria provided. Collection method: clinical testing. Allele origin: germline. Not counted in ClinVar's aggregate classification.

Breast Cancer Information Core (BIC) (BRCA2)
Classification: Uncertain significance for Breast-ovarian cancer, familial 2. Last evaluated: 2002-05-29. Review status: no assertion criteria provided. Collection method: clinical testing. Allele origin: germline. Affected: yes. Observed: 7 variant alleles. Not counted in ClinVar's aggregate classification.

Department of Pathology and Laboratory Medicine, Sinai Health System
Classification: Uncertain significance for Endometrial carcinoma. Review status: no assertion criteria provided. Collection method: clinical testing. Allele origin: unknown. Affected: yes. Study: The Canadian Open Genetics Repository (COGR). Not counted in ClinVar's aggregate classification.
Comment: The p.Gly522Arg variant was not identified in the literature but has been reported in the dbSNP (rs80358442), Exome Server Project, UMD (1x as an unknown variant) and BIC (7x with unknown clinical importance) databases. This residue is not conserved in mammals, increasing the likelihood this variant may not have clinical significance. Computational analyses (PolyPhen2, SIFT, AlignGVGD, BLOSUM) provide inconsistent predictions regarding the impact to the protein and this information is not very predictive of pathogenicity. In summary, the clinical significance of this variant cannot be determined with certainty at this time. This variant is classified as a variant of unknown significance.

Literature cited by the submitters: PubMed 22476429 (cited by 4 submitters); PubMed 24916970 (cited by 5 submitters); PubMed 25348012 (cited by Women's Health and Genetics/Laboratory Corporation of America, LabCorp); PubMed 27974047 (cited by Women's Health and Genetics/Laboratory Corporation of America, LabCorp); PubMed 33471991 (cited by All of Us Research Program, National Institutes of Health and Quest Diagnostics Nichols Institute San Juan Capistrano); PubMed 31911673 (cited by Quest Diagnostics Nichols Institute San Juan Capistrano); PubMed 35264596 (cited by Quest Diagnostics Nichols Institute San Juan Capistrano); PubMed 34326862 (cited by Quest Diagnostics Nichols Institute San Juan Capistrano).